The following is an entry in ClinVar:

NM_006514.4(SCN10A):c.2490G>A (p.Trp830Ter)

Gene: SCN10A (sodium voltage-gated channel alpha subunit 10; minus strand). Cytogenetic location: 3p22.2.
Variant type: single nucleotide variant.
Coding change: c.2490G>A on transcript NM_006514.4 (MANE Select); coding-DNA position 2490, G replaced by A.
Protein change: p.Trp830Ter; replaces tryptophan 830 with a stop codon.
Molecular consequence: nonsense.
Genome position (GRCh38, 1-based): chr3:38,728,692, C>T on the plus strand (G>A on the coding strand, the complement: SCN10A is on the minus strand). VCF-style: chr3-38728692-C-T. GRCh37 (hg19) VCF-style: chr3-38770183-C-T.
Other names: c.2490G>A, p.Trp830Ter (NM_001293306.2); c.2196G>A, p.Trp732Ter (NM_001293307.2); short protein forms W732*, W830*.
Identifiers: ClinVar variation 1792065 (VCV001792065.2), dbSNP rs2470679555, ClinGen allele CA352160369.
Genomic context (GRCh38, chr3:38,728,692, plus strand): 5'-CCACTCTCCACAGAGGATACGGAAGACAATGAGGAAAGAGTGGAAGAAGTCGTGCATGTG[C>T]CAGCGGGGCCAGTCTTCATGGGGCGCGGAGATATTTTTTCGGTTGTTACGGTAGTTTTCC-3'

ClinVar aggregate classification (germline): Uncertain significance (1 of 4 stars; one submission).

Conditions:
Cardiovascular phenotype. Identifiers: MedGen CN230736.

gnomAD v4.1: 1 of 1,614,112 alleles (0.000062%); no homozygotes.

Submission:

Ambry Genetics
Classification: Uncertain significance for Cardiovascular phenotype. Last evaluated: 2020-02-11. Review status: criteria provided, single submitter. Criteria: Ambry Variant Classification Scheme 2023. Collection method: clinical testing. Allele origin: germline.
Comment: The p.W830* variant (also known as c.2490G>A), located in coding exon 15 of the SCN10A gene, results from a G to A substitution at nucleotide position 2490. This changes the amino acid from a tryptophan to a stop codon within coding exon 15. This alteration is expected to result in loss of function by premature protein truncation or nonsense-mediated mRNA decay. However, loss of function of SCN10A has not been clearly established as a mechanism of disease. Since supporting evidence is limited at this time, the clinical significance of this alteration remains unclear.